The following is an entry in ClinVar:

ClinVar aggregate classification (germline): Uncertain significance (1 of 4 stars; one submission).

Allele frequency attached by ClinVar (database versions not stated): gnomAD exomes below 0.00001; TOPMed 0.00001.

Submission:

Labcorp Genetics (formerly Invitae), Labcorp
Classification: Uncertain significance. Last evaluated: 2023-03-04. Review status: criteria provided, single submitter. Criteria: Invitae Variant Classification Sherloc (09022015). Collection method: clinical testing. Allele origin: germline.
Comment: This variant is not present in population databases (gnomAD no frequency). This sequence change replaces proline, which is neutral and non-polar, with leucine, which is neutral and non-polar, at codon 626 of the COMP protein (p.Pro626Leu). This variant has not been reported in the literature in individuals affected with COMP-related conditions. In summary, the available evidence is currently insufficient to determine the role of this variant in disease. Therefore, it has been classified as a Variant of Uncertain Significance. Advanced modeling of protein sequence and biophysical properties (such as structural, functional, and spatial information, amino acid conservation, physicochemical variation, residue mobility, and thermodynamic stability) performed at Invitae indicates that this missense variant is expected to disrupt COMP protein function.

NM_000095.3(COMP):c.1877C>T (p.Pro626Leu)

Gene: COMP (cartilage oligomeric matrix protein; minus strand). Cytogenetic location: 19p13.11.
Variant type: single nucleotide variant.
Coding change: c.1877C>T on transcript NM_000095.3 (MANE Select); coding-DNA position 1877, C replaced by T.
Protein change: p.Pro626Leu; replaces proline 626 with leucine.
Molecular consequence: missense variant.
Genome position (GRCh38, 1-based): chr19:18,784,933, G>A on the plus strand (C>T on the coding strand, the complement: COMP is on the minus strand). VCF-style: chr19-18784933-G-A. GRCh37 (hg19) VCF-style: chr19-18895743-G-A.
Other names: short protein forms P626L.
Identifiers: ClinVar variation 2880698 (VCV002880698.3), dbSNP rs1158758744, ClinGen allele CA404877917.